The following is an entry in ClinVar:

ClinVar aggregate classification (germline): Likely benign (1 of 4 stars; one submission).

Submission:

CeGaT Center for Human Genetics Tuebingen
Classification: Likely benign. Last evaluated: 2026-07-01. Review status: criteria provided, single submitter. Criteria: CeGaT Center For Human Genetics Tuebingen Variant Classification Criteria Version 2. Collection method: clinical testing. Allele origin: germline. Affected: yes. Observed: 1 variant allele.
Comment: TSPOAP1: BP4, BP7

NM_004758.4(TSPOAP1):c.1653C>G (p.Pro551=)

Gene: TSPOAP1 (TSPO associated protein 1; minus strand). Cytogenetic location: 17q22.
Variant type: single nucleotide variant.
Coding change: c.1653C>G on transcript NM_004758.4 (MANE Select); coding-DNA position 1653, C replaced by G.
Protein change: p.Pro551=; no amino-acid change (proline 551 retained).
Molecular consequence: synonymous variant.
Genome position (GRCh38, 1-based): chr17:58,319,136, G>C on the plus strand (C>G on the coding strand, the complement: TSPOAP1 is on the minus strand). VCF-style: chr17-58319136-G-C. GRCh37 (hg19) VCF-style: chr17-56396497-G-C.
Other names: c.1653C>G, p.Pro551= (NM_001261835.2); c.1473C>G, p.Pro491= (NM_024418.3).
Identifiers: ClinVar variation 5038790 (VCV005038790.1).